The following is an entry in ClinVar:

NM_000397.4(CYBB):c.1573del (p.Ser525fs)

Gene: CYBB (cytochrome b-245 beta chain; plus strand). Cytogenetic location: Xp11.4.
Variant type: Deletion.
Coding change: c.1573del on transcript NM_000397.4 (MANE Select); coding-DNA position 1573, one base deleted (A; older notation c.1573delA).
Protein change: p.Ser525fs; shifts the reading frame from serine 525.
Molecular consequence: frameshift variant.
Genome position (GRCh38, 1-based): chrX:37,809,678, A deleted; the last of 2 consecutive A bases (chrX:37,809,677-37,809,678); deleting either gives the same sequence. VCF-style (leftmost placement, unchanged base first): chrX-37809676-CA-C. GRCh37 (hg19) VCF-style: chrX-37668929-CA-C.
Other names: c.1573delA (NM_000397.3); short protein forms S525fs.
Identifiers: ClinVar variation 280363 (VCV000280363.2), dbSNP rs886041582, ClinGen allele CA10603664.

ClinVar aggregate classification (germline): Pathogenic (1 of 4 stars; one submission).

Submission:

GeneDx
Classification: Pathogenic. Last evaluated: 2016-02-17. Review status: criteria provided, single submitter. Criteria: GeneDx Variant Classification (06012015). Collection method: clinical testing. Allele origin: germline. Affected: yes.
Comment: The c.1573delA pathogenic variant in the CYBB gene causes a frameshift starting with codon Serine 525, changes this amino acid to a Valine residue and creates a premature Stop codon at position 8 of the new reading frame, denoted p.Ser525ValfsX8. This pathogenic variant is predicted to cause loss of normal protein function through protein truncation. The c.1573delA variant was not observed in approximately 6,500 individuals of European and African American ancestry in the NHLBI Exome Sequencing Project, indicating it is not a common benign variant in these populations. Although this variant has not been previously reported to our knowledge, we consider it to be pathogenic.